The following is an entry in ClinVar:

ClinVar aggregate classification (germline): Uncertain significance. Review status: criteria provided, multiple submitters, no conflicts (2 of 4 stars). 6 submissions from 6 submitters: Uncertain significance (6). Last evaluated 2025-11-21.

Conditions:
Cardiovascular phenotype. Identifiers: MedGen CN230736.
Cardiac arrhythmia. Also called: Arrhythmia; Cardiac rhythm disease. Identifiers: MedGen C0003811, MONDO:0007263, HP:0011675.
Long QT syndrome (LQTS). Identifiers: MedGen C0023976, MeSH D008133, MONDO:0002442. Disease mechanism: loss of function. Inheritance: Various modes of inheritance.

Allele frequency attached by ClinVar (database versions not stated): TOPMed 0.00001.
gnomAD v4.1: 6 of 1,613,752 alleles (0.00037%); highest among the groups gnomAD compares: African/African-American, 0.0027%; no homozygotes.

Submissions (6):

Color Diagnostics, LLC DBA Color Health
Classification: Uncertain significance for Cardiac arrhythmia. Last evaluated: 2025-11-21. Review status: criteria provided, single submitter. Criteria: ACMG Guidelines, 2015. Collection method: clinical testing. Allele origin: germline.
Comment: This missense variant replaces alanine with glycine at codon 399 of the KCNQ1 protein. Computational prediction is inconclusive regarding the impact of this variant on protein structure and function. To our knowledge, functional studies have not been reported for this variant. This variant has not been reported in individuals affected with KCNQ1-related disorders in the literature. This variant has been identified in 6/1613752 chromosomes in the general population by the Genome Aggregation Database (gnomAD). The available evidence is insufficient to determine the role of this variant in disease conclusively. Therefore, this variant is classified as a Variant of Uncertain Significance.

GeneDx
Classification: Uncertain significance. Last evaluated: 2024-02-15. Review status: criteria provided, single submitter. Criteria: GeneDx Variant Classification Process June 2021. Collection method: clinical testing. Allele origin: germline. Affected: yes.
Comment: Not observed at significant frequency in large population cohorts (gnomAD); In silico analysis supports that this missense variant does not alter protein structure/function; Has not been previously published as pathogenic or benign to our knowledge

Labcorp Genetics (formerly Invitae), Labcorp
Classification: Uncertain significance for Long QT syndrome. Last evaluated: 2023-09-29. Review status: criteria provided, single submitter. Criteria: Invitae Variant Classification Sherloc (09022015). Collection method: clinical testing. Allele origin: germline.
Comment: In summary, the available evidence is currently insufficient to determine the role of this variant in disease. Therefore, it has been classified as a Variant of Uncertain Significance. This sequence change replaces alanine, which is neutral and non-polar, with glycine, which is neutral and non-polar, at codon 399 of the KCNQ1 protein (p.Ala399Gly). This variant is present in population databases (no rsID available, gnomAD 0.0009%). This variant has not been reported in the literature in individuals affected with KCNQ1-related conditions. ClinVar contains an entry for this variant (Variation ID: 228760). Advanced modeling of protein sequence and biophysical properties (such as structural, functional, and spatial information, amino acid conservation, physicochemical variation, residue mobility, and thermodynamic stability) performed at Invitae indicates that this missense variant is not expected to disrupt KCNQ1 protein function.

All of Us Research Program, National Institutes of Health
Classification: Uncertain significance for Long QT syndrome. Last evaluated: 2023-05-08. Review status: criteria provided, single submitter. Criteria: ACMG Guidelines, 2015. Collection method: clinical testing. Allele origin: germline. Inheritance: Autosomal dominant inheritance. Observed: 1 variant allele, 1 heterozygote.
Comment: This missense variant replaces alanine with glycine at codon 399 of the KCNQ1 protein. Computational prediction is inconclusive regarding the impact of this variant on protein structure and function (internally defined REVEL score threshold 0.5 < inconclusive < 0.7, PMID: 27666373). To our knowledge, functional studies have not been reported for this variant. This variant has not been reported in individuals affected with cardiovascular disorders in the literature. This variant has been identified in 1/251214 chromosomes in the general population by the Genome Aggregation Database (gnomAD). The available evidence is insufficient to determine the role of this variant in disease conclusively. Therefore, this variant is classified as a Variant of Uncertain Significance.

This study involves interpretation of variants in research participants for the purpose of population health screening. Participant phenotype was not available at the time of variant classification. Additional details can be found in publication PMID: 35346344, PMCID: PMC8962531

Ambry Genetics
Classification: Uncertain significance for Cardiovascular phenotype. Last evaluated: 2019-07-11. Review status: criteria provided, single submitter. Criteria: Ambry Variant Classification Scheme 2023. Collection method: clinical testing. Allele origin: germline.
Comment: The p.A399G variant (also known as c.1196C>G), located in coding exon 9 of the KCNQ1 gene, results from a C to G substitution at nucleotide position 1196. The alanine at codon 399 is replaced by glycine, an amino acid with similar properties, and is located in the cytoplasmic C-terminal domain. This amino acid position is poorly conserved in available vertebrate species. In addition, the in silico prediction for this alteration is inconclusive. Since supporting evidence is limited at this time, the clinical significance of this alteration remains unclear.

Laboratory for Molecular Medicine, Mass General Brigham Personalized Medicine
Classification: Uncertain significance. Last evaluated: 2016-01-12. Review status: criteria provided, single submitter. Criteria: LMM Criteria. Collection method: clinical testing. Allele origin: germline. Observed: 1 variant allele.
Comment: The p.Ala399Gly variant in KCNQ1 has not been previously reported in individuals with hearing loss or in large population studies. Computational prediction tool s and conservation analysis suggest that the p.Ala399Gly variant may not impact the protein, though this information is not predictive enough to rule out pathog enicity. In summary, the clinical significance of the p.Ala399Gly variant is unc ertain.

NM_000218.3(KCNQ1):c.1196C>G (p.Ala399Gly)

Gene: KCNQ1 (potassium voltage-gated channel subfamily Q member 1; plus strand). Cytogenetic location: 11p15.5.
Variant type: single nucleotide variant.
Coding change: c.1196C>G on transcript NM_000218.3 (MANE Select); coding-DNA position 1196, C replaced by G.
Protein change: p.Ala399Gly; replaces alanine 399 with glycine.
Molecular consequence: missense variant.
Genome position (GRCh38, 1-based): chr11:2,587,637, C>G. VCF-style: chr11-2587637-C-G. GRCh37 (hg19) VCF-style: chr11-2608867-C-G.
Other names: c.1100C>G, p.Ala367Gly (NM_001406836.1); c.926C>G, p.Ala309Gly (NM_001406837.1); c.656C>G, p.Ala219Gly (NM_001406838.1); c.815C>G, p.Ala272Gly (NM_181798.2); short protein forms A272G, A399G, A367G, A309G, A219G.
Identifiers: ClinVar variation 228760 (VCV000228760.16), dbSNP rs876657836, ClinGen allele CA10576879.
Genomic context (GRCh38, chr11:2,587,637, plus strand): 5'-GGAGGTGCTATGCTGCCGAGAACCCCGACTCCTCCACCTGGAAGATCTACATCCGGAAGG[C>G]CCCCCGGAGCCACACTCTGCTGTCACCCAGCCCCAAACCCAAGAAGTCTGTGGTGGTGAG-3'
Protein context (NP_000209.2, residues 389-409): SSTWKIYIRK[Ala399Gly]PRSHTLLSPS